The following is an entry in ClinVar:

ClinVar aggregate classification (germline): Uncertain significance. Review status: criteria provided, multiple submitters, no conflicts (2 of 4 stars). 2 submissions from 2 submitters: Uncertain significance (2). Last evaluated 2026-04-29.

Conditions:
Hereditary cancer-predisposing syndrome. Also called: Neoplastic Syndromes, Hereditary; Tumor predisposition; Hereditary Cancer Syndrome; Hereditary neoplastic syndrome. Identifiers: Orphanet 140162, MedGen C0027672, MeSH D009386, MONDO:0015356.
Haddad syndrome (OHD). Also called: Ondine-Hirschsprung disease. Identifiers: Orphanet 99803, MedGen C1859049, MONDO:0020493.

Submissions (2):

Ambry Genetics
Classification: Uncertain significance for Hereditary cancer-predisposing syndrome. Last evaluated: 2026-04-29. Review status: criteria provided, single submitter. Criteria: Ambry Variant Classification Scheme 2023. Collection method: clinical testing. Allele origin: germline.
Comment: The c.483_494dup12 variant (also known as p.A164_A167dup), located in coding exon 3 of the PHOX2B gene, results from an in-frame duplication of 12 nucleotides at nucleotide positions 483 to 494. This results in the duplication of 4 extra residues (AAAA) between codons 164 and 167. This amino acid region is well conserved in available vertebrate species. In addition, this variant is predicted to be neutral by in silico analysis (Choi Y et al. PLoS ONE. 2012; 7(10):e46688). Based on the available evidence, the clinical significance of this variant remains unclear.

Labcorp Genetics (formerly Invitae), Labcorp
Classification: Uncertain significance for Haddad syndrome. Last evaluated: 2021-10-28. Review status: criteria provided, single submitter. Criteria: Invitae Variant Classification Sherloc (09022015). Collection method: clinical testing. Allele origin: germline.
Comment: In summary, the available evidence is currently insufficient to determine the role of this variant in disease. Therefore, it has been classified as a Variant of Uncertain Significance. This variant has not been reported in the literature in individuals affected with PHOX2B-related conditions. This variant is not present in population databases (gnomAD no frequency). This variant, c.483_494dup, results in the insertion of 4 amino acid(s) of the PHOX2B protein (p.Ala164_Ala167dup), but otherwise preserves the integrity of the reading frame.

NM_003924.4(PHOX2B):c.483_494dup (p.Ala164_Ala167dup)

Gene: PHOX2B (paired like homeobox 2B; minus strand). Cytogenetic location: 4p13.
Variant type: Duplication.
Coding change: c.483_494dup on transcript NM_003924.4 (MANE Select); coding-DNA positions 483 to 494, 12 bases duplicated (AGCCGCAGCGGC).
Protein change: p.Ala164_Ala167dup.
Molecular consequence: inframe insertion.
Genome position (GRCh38, 1-based): chr4:41,746,258-41,746,269, GCCGCTGCGGCT duplicated on the plus strand (AGCCGCAGCGGC on the coding strand, the reverse complement: PHOX2B is on the minus strand); duplicating any 12 consecutive bases within chr4:41,746,258-41,746,278 gives the same sequence; the c. name uses the placement nearest the transcript's 3' end. VCF-style (leftmost placement, unchanged base first): chr4-41746257-G-GGCCGCTGCGGCT. GRCh37 (hg19) VCF-style: chr4-41748274-G-GGCCGCTGCGGCT.
Other names: c.483_494dupAGCCGCAGCGGC (NM_003924.3).
Identifiers: ClinVar variation 1397050 (VCV001397050.7), dbSNP rs1351806501, ClinGen allele CA2573137672.
Genomic context (GRCh38, chr4:41,746,257, plus strand): 5'-TTTGCTCTCGTCGTCCCTGGAAGAGTCAGACTTTTTGCCCGAGGAGCCGTTCTTGGCCGC[G>GGCCGCTGCGGCT]GCCGCTGCGGCTGCCGCTGCGCGCTCCTGCTTGCGAAACTTGGCGCGGCGGTTCTGGAAC-3'